The following is an entry in ClinVar:

NM_032237.5(POMK):c.152del (p.Asp51fs)

Gene: POMK (protein O-mannose kinase; plus strand). Cytogenetic location: 8p11.21.
Variant type: Deletion.
Coding change: c.152del on transcript NM_032237.5 (MANE Select); coding-DNA position 152, one base deleted (A; older notation c.152delA).
Protein change: p.Asp51fs; shifts the reading frame from aspartic acid 51.
Molecular consequence: frameshift variant.
Genome position (GRCh38, 1-based): chr8:43,103,700, A deleted. VCF-style (leftmost placement, unchanged base first): chr8-43103699-GA-G. GRCh37 (hg19) VCF-style: chr8-42958842-GA-G.
Other names: c.152del, p.Asp51fs (NM_001277971.2); short protein forms D51fs.
Identifiers: ClinVar variation 1071646 (VCV001071646.5), dbSNP rs2130601407, ClinGen allele CA2499219333.

ClinVar aggregate classification (germline): Pathogenic (1 of 4 stars; one submission).

Conditions:
Muscular dystrophy-dystroglycanopathy (congenital with brain and eye anomalies), type a, 12 (MDDGA12). Also called: WALKER-WARBURG SYNDROME OR MUSCLE-EYE-BRAIN DISEASE, POMK-RELATED. Identifiers: Orphanet 899, MedGen C3808964, MONDO:0014101, OMIM 615249.
Limb-girdle muscular dystrophy due to POMK deficiency. Also called: Muscular dystrophy-dystroglycanopathy (limb-girdle), type c, 12; MUSCULAR DYSTROPHY-DYSTROGLYCANOPATHY, LIMB-GIRDLE, POMK-RELATED. Identifiers: Orphanet 445110, MedGen C4015184, MONDO:0014489, OMIM 616094.

Submission:

Labcorp Genetics (formerly Invitae), Labcorp
Classification: Pathogenic for Muscular dystrophy-dystroglycanopathy (congenital with brain and eye anomalies), type a, 12; Limb-girdle muscular dystrophy due to POMK deficiency. Last evaluated: 2020-07-12. Review status: criteria provided, single submitter. Criteria: Invitae Variant Classification Sherloc (09022015). Collection method: clinical testing. Allele origin: germline.
Comment: For these reasons, this variant has been classified as Pathogenic. Loss-of-function variants in POMK are known to be pathogenic (PMID: 24925318). This sequence change creates a premature translational stop signal (p.Asp51Alafs*12) in the POMK gene. It is expected to result in an absent or disrupted protein product. This variant is not present in population databases (ExAC no frequency). This variant has not been reported in the literature in individuals with POMK-related conditions.

Literature cited by the submitters: PubMed 24925318.